The following is an entry in ClinVar:

ClinVar aggregate classification (germline): Uncertain significance (1 of 4 stars; one submission).

Submission:

Dasa
Classification: Uncertain significance. Last evaluated: 2024-11-27. Review status: criteria provided, single submitter. Criteria: DASA Assertion Criteria. Collection method: clinical testing. Allele origin: germline.
Comment: NM_016151.4(TAOK2):c.448A>G (p.Arg150Gly) is a missense variant that results in the substitution of arginine with glycine. This variant is absent from population databases. Computational prediction algorithms are consistent with a deleterious effect. The currently available literature and clinical evidence are not sufficient to establish a definitive association between this variant and the reported condition. Therefore, this variant is classified as a variant of uncertain significance.

NM_016151.4(TAOK2):c.448A>G (p.Arg150Gly)

Gene: TAOK2 (TAO kinase 2; plus strand). Cytogenetic location: 16p11.2.
Variant type: single nucleotide variant.
Coding change: c.448A>G on transcript NM_016151.4 (MANE Select); coding-DNA position 448, A replaced by G.
Protein change: p.Arg150Gly; replaces arginine 150 with glycine.
Molecular consequence: missense variant.
Genome position (GRCh38, 1-based): chr16:29,979,069, A>G. VCF-style: chr16-29979069-A-G. GRCh37 (hg19) VCF-style: chr16-29990390-A-G.
Other names: c.448A>G, p.Arg150Gly (NM_001252043.2, NM_004783.4); short protein forms R150G.
Identifiers: ClinVar variation 4883170 (VCV004883170.2).